The following is an entry in ClinVar:

ClinVar aggregate classification (germline): Uncertain significance (1 of 4 stars; one submission).

Conditions:
Kabuki syndrome. Also called: NIIKAWA-KUROKI SYNDROME; Kabuki make-up syndrome. Identifiers: Orphanet 2322, MedGen C0796004, MONDO:0016512.

Allele frequency attached by ClinVar (database versions not stated): gnomAD exomes below 0.00001; TOPMed below 0.00001.
gnomAD v4.1: 1 of 1,555,300 alleles (0.000064%); highest among the groups gnomAD compares: African/African-American, 0.0014%; no homozygotes.

Submission:

Labcorp Genetics (formerly Invitae), Labcorp
Classification: Uncertain significance for Kabuki syndrome. Last evaluated: 2023-10-04. Review status: criteria provided, single submitter. Criteria: Invitae Variant Classification Sherloc (09022015). Collection method: clinical testing. Allele origin: germline.
Comment: This sequence change replaces asparagine, which is neutral and polar, with aspartic acid, which is acidic and polar, at codon 4900 of the KMT2D protein (p.Asn4900Asp). This variant is not present in population databases (gnomAD no frequency). This variant has not been reported in the literature in individuals affected with KMT2D-related conditions. Advanced modeling of protein sequence and biophysical properties (such as structural, functional, and spatial information, amino acid conservation, physicochemical variation, residue mobility, and thermodynamic stability) performed at Invitae indicates that this missense variant is not expected to disrupt KMT2D protein function. In summary, the available evidence is currently insufficient to determine the role of this variant in disease. Therefore, it has been classified as a Variant of Uncertain Significance.

NM_003482.4(KMT2D):c.14698A>G (p.Asn4900Asp)

Gene: KMT2D (lysine methyltransferase 2D; minus strand). Cytogenetic location: 12q13.12.
Variant type: single nucleotide variant.
Coding change: c.14698A>G on transcript NM_003482.4 (MANE Select); coding-DNA position 14698, A replaced by G.
Protein change: p.Asn4900Asp; replaces asparagine 4900 with aspartic acid.
Molecular consequence: missense variant.
Genome position (GRCh38, 1-based): chr12:49,027,268, T>C on the plus strand (A>G on the coding strand, the complement: KMT2D is on the minus strand). VCF-style: chr12-49027268-T-C. GRCh37 (hg19) VCF-style: chr12-49421051-T-C.
Other names: short protein forms N4900D.
Identifiers: ClinVar variation 2796061 (VCV002796061.3), dbSNP rs1263629826, ClinGen allele CA384692169.